The following is an entry in ClinVar:

NM_000059.4(BRCA2):c.6158C>A (p.Ser2053Tyr)

Gene: BRCA2 (BRCA2 DNA repair associated; plus strand). Cytogenetic location: 13q13.1.
Variant type: single nucleotide variant.
Coding change: c.6158C>A on transcript NM_000059.4 (MANE Select); coding-DNA position 6158, C replaced by A.
Protein change: p.Ser2053Tyr; replaces serine 2053 with tyrosine.
Molecular consequence: missense variant.
Genome position (GRCh38, 1-based): chr13:32,340,513, C>A. VCF-style: chr13-32340513-C-A. GRCh37 (hg19) VCF-style: chr13-32914650-C-A.
Other names: short protein forms S2053Y.
Identifiers: ClinVar variation 479284 (VCV000479284.16), dbSNP rs1555284574, ClinGen allele CA387788311.

ClinVar aggregate classification (germline): Conflicting classifications of pathogenicity. Review status: criteria provided, conflicting classifications (1 of 4 stars). 5 submissions from 5 submitters: Uncertain significance (3); Likely benign (2). Last evaluated 2025-11-27.

Conditions:
Hereditary breast ovarian cancer syndrome. Also called: Hereditary breast and ovarian cancer syndrome (HBOC); Hereditary breast and ovarian cancer syndrome; Breast and ovarian cancer; BRCA1- and BRCA2-Associated Hereditary Breast and Ovarian Cancer; Hereditary breast and ovarian cancer; Hereditary breast and/or ovarian cancer syndrome. Identifiers: Orphanet 145, MedGen C0677776, MeSH D061325, MONDO:0003582. Disease mechanism: loss of function.
Hereditary cancer-predisposing syndrome. Also called: Neoplastic Syndromes, Hereditary; Hereditary Cancer Syndrome; Hereditary neoplastic syndrome; Tumor predisposition. Identifiers: Orphanet 140162, MedGen C0027672, MeSH D009386, MONDO:0015356.

Submissions (5):

Labcorp Genetics (formerly Invitae), Labcorp
Classification: Uncertain significance for Hereditary breast ovarian cancer syndrome. Last evaluated: 2025-11-27. Review status: criteria provided, single submitter. Criteria: Invitae Variant Classification Sherloc (09022015). Collection method: clinical testing. Allele origin: germline.
Comment: This sequence change replaces serine, which is neutral and polar, with tyrosine, which is neutral and polar, at codon 2053 of the BRCA2 protein (p.Ser2053Tyr). This variant is not present in population databases (gnomAD no frequency). This missense change has been observed in individual(s) with a Lynch syndrome-associated cancer and/or colorectal polyps (PMID: 25980754). ClinVar contains an entry for this variant (Variation ID: 479284). Invitae Evidence Modeling of protein sequence and biophysical properties (such as structural, functional, and spatial information, amino acid conservation, physicochemical variation, residue mobility, and thermodynamic stability) indicates that this missense variant is not expected to disrupt BRCA2 protein function with a negative predictive value of 95%. In summary, the available evidence is currently insufficient to determine the role of this variant in disease. Therefore, it has been classified as a Variant of Uncertain Significance.

ARUP Laboratories, Molecular Genetics and Genomics, ARUP Laboratories
Classification: Likely benign. Last evaluated: 2025-05-20. Review status: criteria provided, single submitter. Criteria: ARUP Molecular Germline Variant Investigation Process 2024. Collection method: clinical testing. Allele origin: germline.

Ambry Genetics
Classification: Uncertain significance for Hereditary cancer-predisposing syndrome. Last evaluated: 2025-04-09. Review status: criteria provided, single submitter. Criteria: Ambry Variant Classification Scheme 2023. Collection method: clinical testing. Allele origin: germline.
Comment: The p.S2053Y variant (also known as c.6158C>A), located in coding exon 10 of the BRCA2 gene, results from a C to A substitution at nucleotide position 6158. The serine at codon 2053 is replaced by tyrosine, an amino acid with dissimilar properties. This amino acid position is poorly conserved in available vertebrate species. In addition, this alteration is predicted to be tolerated by in silico analysis. Based on the available evidence, the clinical significance of this variant remains unclear.

University of Washington Department of Laboratory Medicine, University of Washington
Classification: Likely benign for Hereditary cancer-predisposing syndrome. Last evaluated: 2023-03-23. Review status: criteria provided, single submitter. Criteria: Dines et al. (Genet Med. 2020). Collection method: curation. Allele origin: germline.
Comment: Missense variant in a coldspot region where missense variants are very unlikely to be pathogenic (PMID:31911673).

BRCA2 exon 11 coldspot. Reclassification based on statistical prior probability.

Quest Diagnostics Nichols Institute San Juan Capistrano
Classification: Uncertain significance. Last evaluated: 2017-12-06. Review status: criteria provided, single submitter. Criteria: Quest Diagnostics criteria. Collection method: clinical testing. Allele origin: germline.

Literature cited by the submitters: PubMed 25980754 (cited by Labcorp Genetics (formerly Invitae), Labcorp).